The following is an entry in ClinVar:

ClinVar aggregate classification (germline): Benign (0 of 4 stars; one submission).

Conditions:
GFRA1-related disorder. Also called: GFRA1-related condition.

Allele frequency attached by ClinVar (database versions not stated): gnomAD 0.09402; TOPMed 0.09584; ExAC 0.10346; 1000 Genomes Project 30x 0.11446; 1000 Genomes Project 0.11522.
gnomAD v4.1: 150,989 of 1,613,376 alleles (9.4%); highest among the groups gnomAD compares: East Asian, 16%; 7,578 homozygotes.

Submission:

PreventionGenetics, part of Exact Sciences
Classification: Benign for GFRA1-related condition. Last evaluated: 2019-10-21. Review status: no assertion criteria provided. Collection method: clinical testing. Allele origin: germline.
Comment: This variant is classified as benign based on ACMG/AMP sequence variant interpretation guidelines (Richards et al. 2015 PMID: 25741868, with internal and published modifications).

NM_005264.8(GFRA1):c.1096A>G (p.Thr366Ala)

Gene: GFRA1 (GDNF family receptor alpha 1; minus strand). Cytogenetic location: 10q25.3.
Variant type: single nucleotide variant.
Coding change: c.1096A>G on transcript NM_005264.8 (MANE Select); coding-DNA position 1096, A replaced by G.
Protein change: p.Thr366Ala; replaces threonine 366 with alanine.
Molecular consequence: missense variant.
Genome position (GRCh38, 1-based): chr10:116,089,842, T>C on the plus strand (A>G on the coding strand, the complement: GFRA1 is on the minus strand). VCF-style: chr10-116089842-T-C. GRCh37 (hg19) VCF-style: chr10-117849353-T-C.
Other names: c.1081A>G, p.Thr361Ala (NM_001145453.4, NM_001348096.3, NM_001382556.2 and 6 more transcripts); c.1096A>G, p.Thr366Ala (NM_001348097.1, NM_001348098.4); c.733A>G, p.Thr245Ala (NM_001348099.3); short protein forms T245A, T361A, T366A.
Identifiers: ClinVar variation 3060080 (VCV003060080.2), dbSNP rs2072276, ClinGen allele CA5705186.